The following is an entry in ClinVar:

NM_001854.4(COL11A1):c.3062G>C (p.Gly1021Ala)

Gene: COL11A1 (collagen type XI alpha 1 chain; minus strand). Cytogenetic location: 1p21.1.
Variant type: single nucleotide variant.
Coding change: c.3062G>C on transcript NM_001854.4 (MANE Select); coding-DNA position 3062, G replaced by C.
Protein change: p.Gly1021Ala; replaces glycine 1021 with alanine.
Molecular consequence: missense variant. On other transcripts: non-coding transcript variant (1).
Genome position (GRCh38, 1-based): chr1:102,962,228, C>G on the plus strand (G>C on the coding strand, the complement: COL11A1 is on the minus strand). VCF-style: chr1-102962228-C-G. GRCh37 (hg19) VCF-style: chr1-103427784-C-G.
Other names: c.2945G>C, p.Gly982Ala (NM_001190709.2); c.3098G>C, p.Gly1033Ala (NM_080629.3); c.2714G>C, p.Gly905Ala (NM_080630.4); short protein forms G1033A, G982A, G1021A, G905A.
Identifiers: ClinVar variation 5005095 (VCV005005095.2).
Genomic context (GRCh38, chr1:102,962,228, plus strand): 5'-GATTATACCTGAGCTCCAGGAAGACCTCTTTCCCCTGGGAAACCACGTAATCCTGCTGGT[C>G]CATCTTTCCCTGAGATACCTTGAGGACCTGGATCACCCTAAAGAATATAATAAACATCGT-3'
Protein context (NP_001845.3, residues 1011-1031): PGPQGISGKD[Gly1021Ala]PAGLRGFPGE

ClinVar aggregate classification (germline): Uncertain significance (1 of 4 stars; one submission).

Conditions:
Hearing loss, autosomal dominant 37. Also called: DEAFNESS, AUTOSOMAL DOMINANT 37. Identifiers: MedGen C4760307, MONDO:0032802, OMIM 618533.
Fibrochondrogenesis 1 (FBCG1). Identifiers: Orphanet 2021, MedGen C3278138, MONDO:0009226, OMIM 228520.
Stickler syndrome type 2 (STL2). Also called: STICKLER SYNDROME, TYPE II; STICKLER SYNDROME, BEADED VITREOUS TYPE; STICKLER SYNDROME, VITREOUS TYPE 2; COL11A1-Related Stickler Syndrome. Identifiers: Orphanet 828, Orphanet 90654, MedGen C1858084, MONDO:0011493, OMIM 604841.
Marshall syndrome (MRSHS). Identifiers: Orphanet 560, MedGen C0265235, MONDO:0007949, OMIM 154780.
Intervertebral disc disorder (IDD). Also called: INTERVERTEBRAL DISC DISEASE; Lumbar disk degenerative disorder. Identifiers: MedGen C0158252, MONDO:0044339, OMIM 603932.

Submission:

Juno Genomics, Hangzhou Juno Genomics, Inc
Classification: Uncertain significance for Intervertebral disc disorder; Hearing loss, autosomal dominant 37; Fibrochondrogenesis 1; Marshall syndrome; Stickler syndrome type 2. Review status: criteria provided, single submitter. Criteria: ACMG Guidelines, 2015. Collection method: clinical testing. Allele origin: germline.
Comment: Absent from controls (or at extremely low frequency if recessive) in Genome Aggregation Database.;Multiple lines of computational evidence support a deleterious effect on the gene or gene product.